The following is an entry in ClinVar:

ClinVar aggregate classification (germline): Uncertain significance (1 of 4 stars; one submission).

Allele frequency attached by ClinVar (database versions not stated): ESP Exome Variant Server 0.00025.
gnomAD v4.1: 144 of 1,606,394 alleles (0.009%); highest among the groups gnomAD compares: African/African-American, 0.17%; no homozygotes.

Submission:

Labcorp Genetics (formerly Invitae), Labcorp
Classification: Uncertain significance. Last evaluated: 2024-01-18. Review status: criteria provided, single submitter. Criteria: Invitae Variant Classification Sherloc (09022015). Collection method: clinical testing. Allele origin: germline.
Comment: This sequence change replaces glutamic acid, which is acidic and polar, with alanine, which is neutral and non-polar, at codon 770 of the C7 protein (p.Glu770Ala). This variant is present in population databases (rs370729134, gnomAD 0.2%). This variant has not been reported in the literature in individuals affected with C7-related conditions. ClinVar contains an entry for this variant (Variation ID: 1491167). Advanced modeling of protein sequence and biophysical properties (such as structural, functional, and spatial information, amino acid conservation, physicochemical variation, residue mobility, and thermodynamic stability) performed at Invitae indicates that this missense variant is not expected to disrupt C7 protein function with a negative predictive value of 80%. In summary, the available evidence is currently insufficient to determine the role of this variant in disease. Therefore, it has been classified as a Variant of Uncertain Significance.

NM_000587.4(C7):c.2309A>C (p.Glu770Ala)

Gene: C7 (complement C7; plus strand). Cytogenetic location: 5p13.1.
Variant type: single nucleotide variant.
Coding change: c.2309A>C on transcript NM_000587.4 (MANE Select); coding-DNA position 2309, A replaced by C.
Protein change: p.Glu770Ala; replaces glutamic acid 770 with alanine.
Molecular consequence: missense variant.
Genome position (GRCh38, 1-based): chr5:40,979,868, A>C. VCF-style: chr5-40979868-A-C. GRCh37 (hg19) VCF-style: chr5-40979970-A-C.
Other names: short protein forms E770A.
Identifiers: ClinVar variation 1491167 (VCV001491167.6), dbSNP rs370729134, ClinGen allele CA3250260.